The following is an entry in ClinVar:

NM_025000.4(DCAF17):c.916G>A (p.Val306Ile)

Gene: DCAF17 (DDB1 and CUL4 associated factor 17; plus strand). Cytogenetic location: 2q31.1.
Variant type: single nucleotide variant.
Coding change: c.916G>A on transcript NM_025000.4 (MANE Select); coding-DNA position 916, G replaced by A.
Protein change: p.Val306Ile; replaces valine 306 with isoleucine.
Molecular consequence: missense variant. On other transcripts: non-coding transcript variant (1).
Genome position (GRCh38, 1-based): chr2:171,468,965, G>A. VCF-style: chr2-171468965-G-A. GRCh37 (hg19) VCF-style: chr2-172325475-G-A.
Other names: c.916G>A, p.Val306Ile (NM_001164821.2); short protein forms V306I.
Identifiers: ClinVar variation 1437467 (VCV001437467.4), dbSNP rs150187836, ClinGen allele CA1964828.

ClinVar aggregate classification (germline): Uncertain significance (1 of 4 stars; one submission).

Conditions:
Woodhouse-Sakati syndrome. Also called: Hypogonadism, Alopecia, Diabetes Mellitus, Mental Retardation, and Extrapyramidal Syndrome; Hypogonadism, diabetes mellitus, alopecia, mental retardation and electrocardiographic abnormalities; EXTRAPYRAMIDAL DISORDER, PROGRESSIVE, WITH PRIMARY HYPOGONADISM, MENTAL RETARDATION, AND ALOPECIA. Identifiers: Orphanet 3464, MedGen C0342286, MONDO:0009419, OMIM 241080.

Allele frequency attached by ClinVar (database versions not stated): gnomAD exomes 0.00003 and 0.00009; ESP Exome Variant Server 0.00008; ExAC 0.00009; gnomAD 0.00013 and 0.00014; TOPMed 0.00019; 1000 Genomes Project 0.00020; 1000 Genomes Project 30x 0.00031.
gnomAD v4.1: 60 of 1,614,016 alleles (0.0037%); highest among the groups gnomAD compares: African/African-American, 0.04%; no homozygotes.

Submission:

Labcorp Genetics (formerly Invitae), Labcorp
Classification: Uncertain significance for Woodhouse-Sakati syndrome. Last evaluated: 2024-12-02. Review status: criteria provided, single submitter. Criteria: Invitae Variant Classification Sherloc (09022015). Collection method: clinical testing. Allele origin: germline.
Comment: This sequence change replaces valine, which is neutral and non-polar, with isoleucine, which is neutral and non-polar, at codon 306 of the DCAF17 protein (p.Val306Ile). This variant is present in population databases (rs150187836, gnomAD 0.04%). This variant has not been reported in the literature in individuals affected with DCAF17-related conditions. ClinVar contains an entry for this variant (Variation ID: 1437467). Invitae Evidence Modeling of protein sequence and biophysical properties (such as structural, functional, and spatial information, amino acid conservation, physicochemical variation, residue mobility, and thermodynamic stability) indicates that this missense variant is not expected to disrupt DCAF17 protein function with a negative predictive value of 80%. In summary, the available evidence is currently insufficient to determine the role of this variant in disease. Therefore, it has been classified as a Variant of Uncertain Significance.